The following is an entry in ClinVar:

NM_001256789.3(CACNA1F):c.67G>C (p.Gly23Arg)

Gene: CACNA1F (calcium voltage-gated channel subunit alpha1 F; minus strand). Cytogenetic location: Xp11.23.
Variant type: single nucleotide variant.
Coding change: c.67G>C on transcript NM_001256789.3 (MANE Select); coding-DNA position 67, G replaced by C.
Protein change: p.Gly23Arg; replaces glycine 23 with arginine.
Molecular consequence: missense variant. On other transcripts: intron variant (1).
Genome position (GRCh38, 1-based): chrX:49,231,886, C>G on the plus strand (G>C on the coding strand, the complement: CACNA1F is on the minus strand). VCF-style: chrX-49231886-C-G. GRCh37 (hg19) VCF-style: chrX-49088348-C-G.
Other names: c.67G>C, p.Gly23Arg (NM_005183.4); c.66-194G>C (NM_001256790.3); short protein forms G23R.
Identifiers: ClinVar variation 3483987 (VCV003483987.3).
Genomic context (GRCh38, chrX:49,231,886, plus strand): 5'-ATGCCCCACTGCTTTCACCTTCCACAGCTGGGGGCCCGGGGCACAGCCCCCATTCGGGAC[C>G]AGGGCCTGCCCCATTGGCTGGACTGGGCTCTGGGGTGGTGTCTATATGGAGAAACTGTGT-3'
Protein context (NP_001243718.1, residues 13-33): EPSPANGAGP[Gly23Arg]PEWGLCPGPP

ClinVar aggregate classification (germline): Uncertain significance. Review status: criteria provided, multiple submitters, no conflicts (2 of 4 stars). 3 submissions from 3 submitters: Uncertain significance (3). Last evaluated 2025-03-20.

Conditions:
Inborn genetic diseases. Identifiers: MedGen C0950123, MeSH D030342.

Submissions (3):

Labcorp Genetics (formerly Invitae), Labcorp
Classification: Uncertain significance. Last evaluated: 2025-03-20. Review status: criteria provided, single submitter. Criteria: Invitae Variant Classification Sherloc (09022015). Collection method: clinical testing. Allele origin: germline.
Comment: This sequence change replaces glycine, which is neutral and non-polar, with arginine, which is basic and polar, at codon 23 of the CACNA1F protein (p.Gly23Arg). This variant is not present in population databases (gnomAD no frequency). This variant has not been reported in the literature in individuals affected with CACNA1F-related conditions. ClinVar contains an entry for this variant (Variation ID: 3483987). An algorithm developed to predict the effect of missense changes on protein structure and function (PolyPhen-2) suggests that this variant is likely to be tolerated. In summary, the available evidence is currently insufficient to determine the role of this variant in disease. Therefore, it has been classified as a Variant of Uncertain Significance.

Ambry Genetics
Classification: Uncertain significance for Inborn genetic diseases. Last evaluated: 2024-08-01. Review status: criteria provided, single submitter. Criteria: Ambry Variant Classification Scheme 2023. Collection method: clinical testing. Allele origin: germline.

Blueprint Genetics
Classification: Uncertain significance. Last evaluated: 2024-03-07. Review status: criteria provided, single submitter. Criteria: ACMG Guidelines, 2015. Collection method: clinical testing. Allele origin: germline.